The following is an entry in ClinVar:

NM_052876.4(NACC1):c.266G>A (p.Arg89Gln)

Gene: NACC1 (nucleus accumbens associated 1; plus strand). Cytogenetic location: 19p13.13.
Variant type: single nucleotide variant.
Coding change: c.266G>A on transcript NM_052876.4 (MANE Select); coding-DNA position 266, G replaced by A.
Protein change: p.Arg89Gln; replaces arginine 89 with glutamine.
Molecular consequence: missense variant.
Genome position (GRCh38, 1-based): chr19:13,135,473, G>A. VCF-style: chr19-13135473-G-A. GRCh37 (hg19) VCF-style: chr19-13246287-G-A.
Other names: c.266G>A (NM_052876.2); short protein forms R89Q.
Identifiers: ClinVar variation 1508862 (VCV001508862.7), dbSNP rs2145623239, ClinGen allele CA404324888.

ClinVar aggregate classification (germline): Uncertain significance. Review status: criteria provided, multiple submitters, no conflicts (2 of 4 stars). 2 submissions from 2 submitters: Uncertain significance (2). Last evaluated 2025-06-03.

Conditions:
Inborn genetic diseases. Identifiers: MedGen C0950123, MeSH D030342.

Allele frequency attached by ClinVar (database versions not stated): gnomAD exomes below 0.00001.
gnomAD v4.1: 2 of 1,613,598 alleles (0.00012%); highest among the groups gnomAD compares: Non-Finnish European, 0.00017%; no homozygotes.

Submissions (2):

Labcorp Genetics (formerly Invitae), Labcorp
Classification: Uncertain significance. Last evaluated: 2025-06-03. Review status: criteria provided, single submitter. Criteria: Invitae Variant Classification Sherloc (09022015). Collection method: clinical testing. Allele origin: germline.
Comment: This sequence change replaces arginine, which is basic and polar, with glutamine, which is neutral and polar, at codon 89 of the NACC1 protein (p.Arg89Gln). This variant is not present in population databases (gnomAD no frequency). This variant has not been reported in the literature in individuals affected with NACC1-related conditions. ClinVar contains an entry for this variant (Variation ID: 1508862). Invitae Evidence Modeling of protein sequence and biophysical properties (such as structural, functional, and spatial information, amino acid conservation, physicochemical variation, residue mobility, and thermodynamic stability) indicates that this missense variant is not expected to disrupt NACC1 protein function with a negative predictive value of 80%. In summary, the available evidence is currently insufficient to determine the role of this variant in disease. Therefore, it has been classified as a Variant of Uncertain Significance.

Ambry Genetics
Classification: Uncertain significance for Inborn genetic diseases. Last evaluated: 2021-06-25. Review status: criteria provided, single submitter. Criteria: Ambry Variant Classification Scheme 2023. Collection method: clinical testing. Allele origin: germline.